The following is an entry in ClinVar:

ClinVar aggregate classification (germline): Conflicting classifications of pathogenicity. Review status: criteria provided, conflicting classifications (1 of 4 stars). 2 submissions from 2 submitters: Uncertain significance (1); Likely benign (1). Last evaluated 2025-10-30.

Conditions:
DIAPH3-related disorder. Also called: DIAPH3-related condition.

gnomAD v4.1: 18 of 1,613,616 alleles (0.0011%); highest among the groups gnomAD compares: East Asian, 0.04%; no homozygotes.

Submissions (2):

Ambry Genetics
Classification: Uncertain significance. Last evaluated: 2025-10-30. Review status: criteria provided, single submitter. Criteria: Ambry Variant Classification Scheme 2023. Collection method: clinical testing. Allele origin: germline.

PreventionGenetics, part of Exact Sciences
Classification: Likely benign for DIAPH3-related condition. Last evaluated: 2025-04-26. Review status: criteria provided, single submitter. Criteria: ACMG Guidelines, 2015. Collection method: clinical testing. Allele origin: germline.
Comment: This variant is classified as likely benign based on ACMG/AMP sequence variant interpretation guidelines (Richards et al. 2015 PMID: 25741868, with internal and published modifications).

NM_001042517.2(DIAPH3):c.2836C>T (p.His946Tyr)

Gene: DIAPH3 (diaphanous related formin 3; minus strand). Cytogenetic location: 13q21.2.
Variant type: single nucleotide variant.
Coding change: c.2836C>T on transcript NM_001042517.2 (MANE Select); coding-DNA position 2836, C replaced by T.
Protein change: p.His946Tyr; replaces histidine 946 with tyrosine.
Molecular consequence: missense variant.
Genome position (GRCh38, 1-based): chr13:59,839,350, G>A on the plus strand (C>T on the coding strand, the complement: DIAPH3 is on the minus strand). VCF-style: chr13-59839350-G-A. GRCh37 (hg19) VCF-style: chr13-60413484-G-A.
Other names: c.2803C>T, p.His935Tyr (NM_001258366.2); c.2698C>T, p.His900Tyr (NM_001258367.2); c.2626C>T, p.His876Tyr (NM_001258368.2); c.2836C>T, p.His946Tyr (NM_001258369.2); c.2047C>T, p.His683Tyr (NM_030932.4); short protein forms H900Y, H946Y, H683Y, H935Y, H876Y.
Identifiers: ClinVar variation 4660077 (VCV004660077.2).